The following is an entry in ClinVar:

NM_000318.3(PEX2):c.773G>A (p.Gly258Glu)

Gene: PEX2 (peroxisomal biogenesis factor 2; minus strand). Cytogenetic location: 8q21.13.
Variant type: single nucleotide variant.
Coding change: c.773G>A on transcript NM_000318.3 (MANE Select); coding-DNA position 773, G replaced by A.
Protein change: p.Gly258Glu; replaces glycine 258 with glutamic acid.
Molecular consequence: missense variant.
Genome position (GRCh38, 1-based): chr8:76,983,406, C>T on the plus strand (G>A on the coding strand, the complement: PEX2 is on the minus strand). VCF-style: chr8-76983406-C-T. GRCh37 (hg19) VCF-style: chr8-77895642-C-T.
Other names: c.773G>A, p.Gly258Glu (NM_001079867.2, NM_001172086.2, NM_001172087.2); short protein forms G258E.
Identifiers: ClinVar variation 1389865 (VCV001389865.5), dbSNP rs1428046580, ClinGen allele CA371556614.
Genomic context (GRCh38, chr8:76,983,406, plus strand): 5'-AAGTACACGTCAAATAAGAAACTACTCTTAGCACAGAAATAACAGAAAATATGCTCACAT[C>T]CTATGGTGTGAGGCATGGTGGGCCACTCTCCACATAGAGCGCATTCTTTGCCACTGGTGG-3'
Protein context (NP_000309.2, residues 248-268): GEWPTMPHTI[Gly258Glu]CEHIFCYFCA

ClinVar aggregate classification (germline): Uncertain significance (1 of 4 stars; one submission).

Conditions:
Peroxisome biogenesis disorder 5A (Zellweger) (PBD5A). Identifiers: Orphanet 912, MedGen C3553940, MONDO:0013932, OMIM 614866.

Allele frequency attached by ClinVar (database versions not stated): gnomAD exomes below 0.00001; TOPMed 0.00001.

Submission:

Labcorp Genetics (formerly Invitae), Labcorp
Classification: Uncertain significance for Peroxisome biogenesis disorder 5A (Zellweger). Last evaluated: 2021-10-14. Review status: criteria provided, single submitter. Criteria: Invitae Variant Classification Sherloc (09022015). Collection method: clinical testing. Allele origin: germline.
Comment: This sequence change replaces glycine with glutamic acid at codon 258 of the PEX2 protein (p.Gly258Glu). The glycine residue is highly conserved and there is a moderate physicochemical difference between glycine and glutamic acid. This variant is not present in population databases (ExAC no frequency). This variant has not been reported in the literature in individuals affected with PEX2-related conditions. Algorithms developed to predict the effect of missense changes on protein structure and function (SIFT, PolyPhen-2, Align-GVGD) all suggest that this variant is likely to be disruptive. In summary, the available evidence is currently insufficient to determine the role of this variant in disease. Therefore, it has been classified as a Variant of Uncertain Significance.